The following is an entry in ClinVar:

ClinVar aggregate classification (germline): Uncertain significance. Review status: criteria provided, multiple submitters, no conflicts (2 of 4 stars). 2 submissions from 2 submitters: Uncertain significance (2). Last evaluated 2025-08-12.

Conditions:
Inborn genetic diseases. Identifiers: MedGen C0950123, MeSH D030342.

Allele frequency attached by ClinVar (database versions not stated): TOPMed 0.00002.
gnomAD v4.1: 4 of 1,613,940 alleles (0.00025%); highest among the groups gnomAD compares: Admixed American, 0.0067%; no homozygotes.

Submissions (2):

Ambry Genetics
Classification: Uncertain significance for Inborn genetic diseases. Last evaluated: 2025-08-12. Review status: criteria provided, single submitter. Criteria: Ambry Variant Classification Scheme 2023. Collection method: clinical testing. Allele origin: germline.

Labcorp Genetics (formerly Invitae), Labcorp
Classification: Uncertain significance. Last evaluated: 2022-09-07. Review status: criteria provided, single submitter. Criteria: Invitae Variant Classification Sherloc (09022015). Collection method: clinical testing. Allele origin: germline.
Comment: In summary, the available evidence is currently insufficient to determine the role of this variant in disease. Therefore, it has been classified as a Variant of Uncertain Significance. Algorithms developed to predict the effect of missense changes on protein structure and function are either unavailable or do not agree on the potential impact of this missense change (SIFT: "Not Available"; PolyPhen-2: "Probably Damaging"; Align-GVGD: "Not Available"). ClinVar contains an entry for this variant (Variation ID: 1023743). This variant has not been reported in the literature in individuals affected with ADAMTS18-related conditions. This variant is present in population databases (rs775384953, gnomAD 0.009%). This sequence change replaces proline, which is neutral and non-polar, with threonine, which is neutral and polar, at codon 498 of the ADAMTS18 protein (p.Pro498Thr).

NM_199355.4(ADAMTS18):c.1492C>A (p.Pro498Thr)

Gene: ADAMTS18 (ADAM metallopeptidase with thrombospondin type 1 motif 18; minus strand). Cytogenetic location: 16q23.1.
Variant type: single nucleotide variant.
Coding change: c.1492C>A on transcript NM_199355.4 (MANE Select); coding-DNA position 1492, C replaced by A.
Protein change: p.Pro498Thr; replaces proline 498 with threonine.
Molecular consequence: missense variant.
Genome position (GRCh38, 1-based): chr16:77,353,855, G>T on the plus strand (C>A on the coding strand, the complement: ADAMTS18 is on the minus strand). VCF-style: chr16-77353855-G-T. GRCh37 (hg19) VCF-style: chr16-77387752-G-T.
Other names: c.1492C>A (NM_199355.2); c.976C>A, p.Pro326Thr (NM_001326358.2); short protein forms P326T, P498T.
Identifiers: ClinVar variation 1023743 (VCV001023743.7), dbSNP rs775384953, ClinGen allele CA8181292.